The following is an entry in ClinVar:

ClinVar aggregate classification (germline): Likely pathogenic (1 of 4 stars; one submission).

Conditions:
Aortic aneurysm, familial thoracic 7 (AAT7). Also called: AORTIC DISSECTION, FAMILIAL, WITH OR WITHOUT AORTIC ANEURYSM. Identifiers: MedGen C3151077, MONDO:0013418, OMIM 613780.

Submission:

Labcorp Genetics (formerly Invitae), Labcorp
Classification: Likely pathogenic for Aortic aneurysm, familial thoracic 7. Last evaluated: 2025-05-22. Review status: criteria provided, single submitter. Criteria: Invitae Variant Classification Sherloc (09022015). Collection method: clinical testing. Allele origin: germline.
Comment: This sequence change affects a donor splice site in intron 28 of the MYLK gene. It is expected to disrupt RNA splicing. Variants that disrupt the donor or acceptor splice site typically lead to a loss of protein function (PMID: 16199547), and loss-of-function variants in MYLK are known to be pathogenic (PMID: 21055718, 28602422). This variant is not present in population databases (gnomAD no frequency). Disruption of this splice site has been observed in individual(s) with clinical features of thoracic aortic aneurysm and dissection (internal data). Algorithms developed to predict the effect of sequence changes on RNA splicing suggest that this variant may disrupt the consensus splice site. In summary, the currently available evidence indicates that the variant is pathogenic, but additional data are needed to prove that conclusively. Therefore, this variant has been classified as Likely Pathogenic.

Literature cited by the submitters: PubMed 16199547; PubMed 21055718; PubMed 28602422.

NM_053025.4(MYLK):c.4837+1G>A

Gene: MYLK (myosin light chain kinase; minus strand). Cytogenetic location: 3q21.1.
Variant type: single nucleotide variant.
Coding change: c.4837+1G>A on transcript NM_053025.4 (MANE Select); the canonical splice donor site of the intron after coding-DNA position 4837, G replaced by A.
Molecular consequence: splice donor variant.
Genome position (GRCh38, 1-based): chr3:123,640,286, C>T on the plus strand (G>A on the coding strand, the complement: MYLK is on the minus strand). VCF-style: chr3-123640286-C-T. GRCh37 (hg19) VCF-style: chr3-123359133-C-T.
Other names: c.4309+1G>A (NM_001321309.2); c.4630+1G>A (NM_053028.4, NM_053026.4); c.4837+1G>A (NM_053027.4).
Identifiers: ClinVar variation 4720016 (VCV004720016.1).